The following is an entry in ClinVar:

ClinVar aggregate classification (germline): Likely pathogenic (1 of 4 stars; one submission).

Conditions:
Dilated cardiomyopathy 1G (CMD1G). Identifiers: Orphanet 154, MedGen C1858763, MONDO:0011400, OMIM 604145.
Autosomal recessive limb-girdle muscular dystrophy type 2J (LGMDR10). Also called: Limb-girdle muscular dystrophy, type 2J; MUSCULAR DYSTROPHY, LIMB-GIRDLE, AUTOSOMAL RECESSIVE 10. Identifiers: Orphanet 140922, MedGen C1837342, MONDO:0012127, OMIM 608807.

Submission:

Labcorp Genetics (formerly Invitae), Labcorp
Classification: Likely pathogenic for Dilated cardiomyopathy 1G; Autosomal recessive limb-girdle muscular dystrophy type 2J. Last evaluated: 2024-04-18. Review status: criteria provided, single submitter. Criteria: Invitae Variant Classification Sherloc (09022015). Collection method: clinical testing. Allele origin: germline.
Comment: This sequence change creates a premature translational stop signal (p.Lys22626Thrfs*2) in the TTN gene. While this is not anticipated to result in nonsense mediated decay, it is expected to create a truncated TTN protein. This variant is not present in population databases (gnomAD no frequency). This variant has not been reported in the literature in individuals affected with TTN-related conditions. This variant is located in the A band of TTN (PMID: 25589632). Truncating variants in this region are significantly overrepresented in patients affected with dilated cardiomyopathy (PMID: 25589632). Truncating variants in this region have also been reported in individuals affected with autosomal recessive centronuclear myopathy (PMID: 23975875). In summary, the currently available evidence indicates that the variant is pathogenic, but additional data are needed to prove that conclusively. Therefore, this variant has been classified as Likely Pathogenic.

Literature cited by the submitters: PubMed 25589632; PubMed 23975875.

NM_001267550.2(TTN):c.67873_67876dup (p.Lys22626delinsThrTer)

Genes: TTN-AS1 (TTN antisense RNA 1; plus strand), TTN (titin; minus strand), LOC126806423 (CDK7 strongly-dependent group 2 enhancer GRCh37_chr2:179443309-179444508; plus strand). Cytogenetic location: 2q31.2.
Variant type: Duplication.
Coding change: c.67873_67876dup on transcript NM_001267550.2 (MANE Select); coding-DNA positions 67873 to 67876, 4 bases duplicated (CTTA; older notation c.67873_67876dupCTTA).
Protein change: p.Lys22626delinsThrTer.
Molecular consequence: nonsense.
Genome position (GRCh38, 1-based): chr2:178,579,154-178,579,157, TAAG duplicated on the plus strand (CTTA on the coding strand, the reverse complement: TTN is on the minus strand); duplicating any 4 consecutive bases within chr2:178,579,154-178,579,158 gives the same sequence; the c. name uses the placement nearest the transcript's 3' end. VCF-style (leftmost placement, unchanged base first): chr2-178579153-T-TTAAG. GRCh37 (hg19) VCF-style: chr2-179443880-T-TTAAG.
Other names: c.62950_62953dup, p.Lys20985delinsThrTer (NM_001256850.1); c.40678_40681dup, p.Lys13561delinsThrTer (NM_003319.4); c.60169_60172dup, p.Lys20058delinsThrTer (NM_133378.4); c.41053_41056dup, p.Lys13686delinsThrTer (NM_133432.3); c.41254_41257dup, p.Lys13753delinsThrTer (NM_133437.4).
Identifiers: ClinVar variation 3755891 (VCV003755891.2).